The following is an entry in ClinVar:

NM_005051.3(QARS1):c.1559C>G (p.Thr520Arg)

Gene: QARS1 (glutaminyl-tRNA synthetase 1; minus strand). Cytogenetic location: 3p21.31.
Variant type: single nucleotide variant.
Coding change: c.1559C>G on transcript NM_005051.3 (MANE Select); coding-DNA position 1559, C replaced by G.
Protein change: p.Thr520Arg; replaces threonine 520 with arginine.
Molecular consequence: missense variant. On other transcripts: non-coding transcript variant (1).
Genome position (GRCh38, 1-based): chr3:49,099,399, G>C on the plus strand (C>G on the coding strand, the complement: QARS1 is on the minus strand). VCF-style: chr3-49099399-G-C. GRCh37 (hg19) VCF-style: chr3-49136832-G-C.
Other names: c.1526C>G, p.Thr509Arg (NM_001272073.2); short protein forms T520R, T509R.
Identifiers: ClinVar variation 1496262 (VCV001496262.8), dbSNP rs764216449, ClinGen allele CA352705157.

ClinVar aggregate classification (germline): Uncertain significance (1 of 4 stars; one submission).

Conditions:
Diffuse cerebral and cerebellar atrophy - intractable seizures - progressive microcephaly syndrome. Also called: Microcephaly, progressive, with seizures and cerebral and cerebellar atrophy. Identifiers: Orphanet 404437, MedGen C4014239, MONDO:0014335, OMIM 615760.

Submission:

Labcorp Genetics (formerly Invitae), Labcorp
Classification: Uncertain significance for Diffuse cerebral and cerebellar atrophy - intractable seizures - progressive microcephaly syndrome. Last evaluated: 2022-11-22. Review status: criteria provided, single submitter. Criteria: Invitae Variant Classification Sherloc (09022015). Collection method: clinical testing. Allele origin: germline.
Comment: ClinVar contains an entry for this variant (Variation ID: 1496262). In summary, the available evidence is currently insufficient to determine the role of this variant in disease. Therefore, it has been classified as a Variant of Uncertain Significance. Algorithms developed to predict the effect of sequence changes on RNA splicing suggest that this variant may create or strengthen a splice site. Advanced modeling of protein sequence and biophysical properties (such as structural, functional, and spatial information, amino acid conservation, physicochemical variation, residue mobility, and thermodynamic stability) has been performed at Invitae for this missense variant, however the output from this modeling did not meet the statistical confidence thresholds required to predict the impact of this variant on QARS protein function. This variant has not been reported in the literature in individuals affected with QARS-related conditions. This variant is not present in population databases (gnomAD no frequency). This sequence change replaces threonine, which is neutral and polar, with arginine, which is basic and polar, at codon 520 of the QARS protein (p.Thr520Arg).